The following is an entry in ClinVar:

NM_006922.4(SCN3A):c.5975G>T (p.Gly1992Val)

Gene: SCN3A (sodium voltage-gated channel alpha subunit 3; minus strand). Cytogenetic location: 2q24.3.
Variant type: single nucleotide variant.
Coding change: c.5975G>T on transcript NM_006922.4 (MANE Select); coding-DNA position 5975, G replaced by T.
Protein change: p.Gly1992Val; replaces glycine 1992 with valine.
Molecular consequence: missense variant.
Genome position (GRCh38, 1-based): chr2:165,090,178, C>A on the plus strand (G>T on the coding strand, the complement: SCN3A is on the minus strand). VCF-style: chr2-165090178-C-A. GRCh37 (hg19) VCF-style: chr2-165946688-C-A.
Other names: c.5828G>T, p.Gly1943Val (NM_001081676.2, NM_001081677.2); short protein forms G1943V, G1992V.
Identifiers: ClinVar variation 1720543 (VCV001720543.6), dbSNP rs1230573200, ClinGen allele CA349008879.
Genomic context (GRCh38, chr2:165,090,178, plus strand): 5'-AATTGATCACAAAGATAATTCTTTGTTTCTTTTTACTTTTGATTTTCTCTGACCTCTTTT[C>A]CTTTGCTTTCTTTTTCTGGTTTGTCTTTCTCAAACTTTTCCTTGTCTGGTTTTGTTACAC-3'
Protein context (NP_008853.3, residues 1982-2000): EKDKPEKESK[Gly1992Val]KEVRENQK

ClinVar aggregate classification (germline): Uncertain significance (1 of 4 stars; one submission).

Submission:

Labcorp Genetics (formerly Invitae), Labcorp
Classification: Uncertain significance. Last evaluated: 2022-11-15. Review status: criteria provided, single submitter. Criteria: Invitae Variant Classification Sherloc (09022015). Collection method: clinical testing. Allele origin: germline.
Comment: This sequence change replaces glycine, which is neutral and non-polar, with valine, which is neutral and non-polar, at codon 1992 of the SCN3A protein (p.Gly1992Val). In summary, the available evidence is currently insufficient to determine the role of this variant in disease. Therefore, it has been classified as a Variant of Uncertain Significance. Advanced modeling of protein sequence and biophysical properties (such as structural, functional, and spatial information, amino acid conservation, physicochemical variation, residue mobility, and thermodynamic stability) performed at Invitae indicates that this missense variant is not expected to disrupt SCN3A protein function. This variant has not been reported in the literature in individuals affected with SCN3A-related conditions. This variant is not present in population databases (gnomAD no frequency).